The following is an entry in ClinVar:

ClinVar aggregate classification (germline): Uncertain significance (1 of 4 stars; one submission).

Conditions:
EGFR-related lung cancer (EGFR). Identifiers: MedGen CN130014.

Submission:

Labcorp Genetics (formerly Invitae), Labcorp
Classification: Uncertain significance for EGFR-related lung cancer. Last evaluated: 2024-10-15. Review status: criteria provided, single submitter. Criteria: Invitae Variant Classification Sherloc (09022015). Collection method: clinical testing. Allele origin: germline.
Comment: This sequence change replaces glutamic acid, which is acidic and polar, with lysine, which is basic and polar, at codon 685 of the EGFR protein (p.Glu685Lys). This variant is not present in population databases (gnomAD no frequency). This variant has not been reported in the literature in individuals affected with EGFR-related conditions. Invitae Evidence Modeling of protein sequence and biophysical properties (such as structural, functional, and spatial information, amino acid conservation, physicochemical variation, residue mobility, and thermodynamic stability) indicates that this missense variant is expected to disrupt EGFR protein function with a positive predictive value of 80%. In summary, the available evidence is currently insufficient to determine the role of this variant in disease. Therefore, it has been classified as a Variant of Uncertain Significance.

NM_005228.5(EGFR):c.2053G>A (p.Glu685Lys)

Gene: EGFR (epidermal growth factor receptor; plus strand). Cytogenetic location: 7p11.2.
Variant type: single nucleotide variant.
Coding change: c.2053G>A on transcript NM_005228.5 (MANE Select); coding-DNA position 2053, G replaced by A.
Protein change: p.Glu685Lys; replaces glutamic acid 685 with lysine.
Molecular consequence: missense variant.
Genome position (GRCh38, 1-based): chr7:55,173,116, G>A. VCF-style: chr7-55173116-G-A. GRCh37 (hg19) VCF-style: chr7-55240809-G-A.
Other names: c.1918G>A, p.Glu640Lys (NM_001346897.2, NM_001346899.2); c.2053G>A, p.Glu685Lys (NM_001346898.2); c.1894G>A, p.Glu632Lys (NM_001346900.2); c.1252G>A, p.Glu418Lys (NM_001346941.2); short protein forms E685K, E632K, E640K, E418K.
Identifiers: ClinVar variation 3666321 (VCV003666321.2).